The following is an entry in ClinVar:

ClinVar aggregate classification (germline): Benign. Review status: criteria provided, single submitter (1 of 4 stars). 2 submissions from 2 submitters: Benign (1). 1 of the submissions does not count toward it. Last evaluated 2022-04-08.

Conditions:
OTOGL-related disorder. Also called: OTOGL-related condition.

Allele frequency attached by ClinVar (database versions not stated): gnomAD 0.00010; gnomAD exomes 0.00016; ExAC 0.00033.

Submissions (2):

Labcorp Genetics (formerly Invitae), Labcorp
Classification: Benign. Last evaluated: 2022-04-08. Review status: criteria provided, single submitter. Criteria: Invitae Variant Classification Sherloc (09022015). Collection method: clinical testing. Allele origin: germline.

PreventionGenetics, part of Exact Sciences
Classification: Likely benign for OTOGL-related condition. Last evaluated: 2023-10-24. Review status: no assertion criteria provided. Collection method: clinical testing. Allele origin: germline. Not counted in ClinVar's aggregate classification.
Comment: This variant is classified as likely benign based on ACMG/AMP sequence variant interpretation guidelines (Richards et al. 2015 PMID: 25741868, with internal and published modifications).

NM_001378609.3(OTOGL):c.5999G>A (p.Cys2000Tyr)

Gene: OTOGL (otogelin like; plus strand). Cytogenetic location: 12q21.31.
Variant type: single nucleotide variant.
Coding change: c.5999G>A on transcript NM_001378609.3 (MANE Select); coding-DNA position 5999, G replaced by A.
Protein change: p.Cys2000Tyr; replaces cysteine 2000 with tyrosine.
Molecular consequence: missense variant.
Genome position (GRCh38, 1-based): chr12:80,356,894, G>A. VCF-style: chr12-80356894-G-A. GRCh37 (hg19) VCF-style: chr12-80750674-G-A.
Other names: c.5972G>A (NM_173591.3); c.5864G>A, p.Cys1955Tyr (NM_001368062.3); c.5999G>A, p.Cys2000Tyr (NM_001378610.3, NM_173591.7); short protein forms C2000Y, C1955Y.
Identifiers: ClinVar variation 2187688 (VCV002187688.6), dbSNP rs770444727, ClinGen allele CA6701878.